The following is an entry in ClinVar:

ClinVar aggregate classification (germline): Likely pathogenic. Review status: criteria provided, multiple submitters, no conflicts (2 of 4 stars). 5 submissions from 5 submitters: Likely pathogenic (4). 1 of the submissions does not count toward it. Last evaluated 2025-10-22.

Conditions:
Congenital hyperammonemia, type I. Also called: Carbamoyl phosphate synthetase I deficiency disease; Carbamoyl-phosphate synthase I deficiency; CPS I DEFICIENCY; Carbamoyl phosphate synthetase 1 deficiency; Hyperammonemia due to carbamoyl phosphate synthetase 1 deficiency; CPS 1 deficiency. Identifiers: Orphanet 147, MedGen C4082171, MONDO:0009376, OMIM 237300.
Pulmonary hypertension, neonatal, susceptibility to (PHN). Identifiers: MedGen C3714958, MONDO:0014151, OMIM 615371.

Submissions (5):

Women's Health and Genetics/Laboratory Corporation of America, LabCorp
Classification: Likely pathogenic for Congenital hyperammonemia, type I. Last evaluated: 2025-10-22. Review status: criteria provided, single submitter. Criteria: LabCorp Variant Classification Summary - May 2015. Collection method: clinical testing. Allele origin: germline.
Comment: Variant summary: CPS1 c.3559G>T (p.Val1187Phe) results in a non-conservative amino acid change located in the Carbamoyl-phosphate synthetase large subunit-like, ATP-binding domain of the encoded protein sequence. Algorithms developed to predict the effect of missense changes on protein structure and function all suggest that this variant is likely to be disruptive. Consensus agreement among computation tools predict no significant impact on normal splicing. However, these predictions have yet to be confirmed by functional studies. The frequency data for this variant in gnomAD is considered unreliable, as metrics indicate poor data quality at this position. c.3559G>T has been observed in trans with a pathogenic variant in at least 1 individual(s) affected with Carbamoylphosphate Synthetase I Deficiency (example: Sugiyama_2020). At least one publication reports experimental evidence evaluating an impact on protein function. The most pronounced variant effect results in undetectable protein expression in patient sample(s) when in trans with a null variant (Sugiyama_2020). The following publications have been ascertained in the context of this evaluation (PMID: 34670888, 33851512, 32670798, 37427576, 37365635). ClinVar contains an entry for this variant (Variation ID: 2098190). Based on the evidence outlined above, the variant was classified as likely pathogenic.

Fulgent Genetics
Classification: Likely pathogenic for Congenital hyperammonemia, type I; Pulmonary hypertension, neonatal, susceptibility to. Last evaluated: 2024-04-06. Review status: criteria provided, single submitter. Criteria: ACMG Guidelines, 2015. Collection method: clinical testing. Allele origin: germline.

Labcorp Genetics (formerly Invitae), Labcorp
Classification: Likely pathogenic for Congenital hyperammonemia, type I. Last evaluated: 2022-08-15. Review status: criteria provided, single submitter. Criteria: Invitae Variant Classification Sherloc (09022015). Collection method: clinical testing. Allele origin: germline.
Comment: In summary, the available evidence is currently insufficient to determine the role of this variant in disease. Therefore, it has been classified as a Variant of Uncertain Significance. This variant is not present in population databases (gnomAD no frequency). This sequence change replaces valine, which is neutral and non-polar, with phenylalanine, which is neutral and non-polar, at codon 1187 of the CPS1 protein (p.Val1187Phe). This missense change has been observed in individual(s) with clinical features of carbamoyl phosphate synthetase I deficiency (PMID: 32670798). In at least one individual the data is consistent with being in trans (on the opposite chromosome) from a pathogenic variant. Algorithms developed to predict the effect of missense changes on protein structure and function are either unavailable or do not agree on the potential impact of this missense change (SIFT: "Deleterious"; PolyPhen-2: "Probably Damaging"; Align-GVGD: "Class C0"). Algorithms developed to predict the effect of sequence changes on RNA splicing suggest that this variant may disrupt the consensus splice site.

Juno Genomics, Hangzhou Juno Genomics, Inc
Classification: Likely pathogenic for Pulmonary hypertension, neonatal, susceptibility to; Congenital hyperammonemia, type I. Review status: criteria provided, single submitter. Criteria: ACMG Guidelines, 2015. Collection method: clinical testing. Allele origin: germline.
Comment: Absent from controls (or at extremely low frequency if recessive) in Genome Aggregation Database.;Multiple lines of computational evidence support a deleterious effect on the gene or gene product.;For recessive disorders, detected in trans with a pathogenic variant.;Patient's phenotype or family history is highly specific for a disease with a single genetic etiology.

Natera, Inc.
Classification: Uncertain significance for Carbamoyl-phosphate synthase I deficiency. Last evaluated: 2025-03-31. Review status: no assertion criteria provided. Collection method: clinical testing. Allele origin: germline. Not counted in ClinVar's aggregate classification.

Literature cited by the submitters: PubMed 33851512 (cited by Women's Health and Genetics/Laboratory Corporation of America, LabCorp); PubMed 34670888 (cited by Women's Health and Genetics/Laboratory Corporation of America, LabCorp); PubMed 32670798 (cited by Women's Health and Genetics/Laboratory Corporation of America, LabCorp and Labcorp Genetics (formerly Invitae), Labcorp); PubMed 37427576 (cited by Women's Health and Genetics/Laboratory Corporation of America, LabCorp); PubMed 37365635 (cited by Women's Health and Genetics/Laboratory Corporation of America, LabCorp).

NM_001875.5(CPS1):c.3559G>T (p.Val1187Phe)

Gene: CPS1 (carbamoyl-phosphate synthase 1; plus strand). Cytogenetic location: 2q34.
Variant type: single nucleotide variant.
Coding change: c.3559G>T on transcript NM_001875.5 (MANE Select); coding-DNA position 3559, G replaced by T.
Protein change: p.Val1187Phe; replaces valine 1187 with phenylalanine.
Molecular consequence: missense variant. On other transcripts: non-coding transcript variant (2).
Genome position (GRCh38, 1-based): chr2:210,656,525, G>T. VCF-style: chr2-210656525-G-T. GRCh37 (hg19) VCF-style: chr2-211521249-G-T.
Other names: c.3559G>T, p.Val1187Phe (NM_001122633.3, NM_001369257.1); c.3592G>T, p.Val1198Phe (NM_001369256.1); short protein forms V1198F, V1187F.
Identifiers: ClinVar variation 2098190 (VCV002098190.12), dbSNP rs1250072284, ClinGen allele CA350437621.